The following is an entry in ClinVar:

NM_181523.3(PIK3R1):c.1993G>A (p.Gly665Ser)

Gene: PIK3R1 (phosphoinositide-3-kinase regulatory subunit 1; plus strand). Cytogenetic location: 5q13.1.
Variant type: single nucleotide variant.
Coding change: c.1993G>A on transcript NM_181523.3 (MANE Select); coding-DNA position 1993, G replaced by A.
Protein change: p.Gly665Ser; replaces glycine 665 with serine.
Molecular consequence: missense variant.
Genome position (GRCh38, 1-based): chr5:68,297,419, G>A. VCF-style: chr5-68297419-G-A. GRCh37 (hg19) VCF-style: chr5-67593247-G-A.
Other names: c.904G>A, p.Gly302Ser (NM_001242466.2); c.1183G>A, p.Gly395Ser (NM_181504.4); c.1093G>A, p.Gly365Ser (NM_181524.2); short protein forms G395S, G302S, G365S, G665S.
Identifiers: ClinVar variation 1450860 (VCV001450860.8), dbSNP rs751595991, ClinGen allele CA3290544.

ClinVar aggregate classification (germline): Uncertain significance (1 of 4 stars; one submission).

Conditions:
Immunodeficiency 36 with lymphoproliferation. Also called: ACTIVATED PI3K-DELTA SYNDROME 2; Immunodeficiency 36; Activated PI3K Delta Syndrome Type 2 (APDS2). Identifiers: Orphanet 397596, Orphanet 693681, MedGen C4014934, MONDO:0014453, OMIM 616005.
SHORT syndrome. Also called: LIPODYSTROPHY, PARTIAL, WITH RIEGER ANOMALY AND SHORT STATURE; PIK3R1-Related SHORT Syndrome; SHORT STATURE, HYPEREXTENSIBILITY, HERNIA, OCULAR DEPRESSION, RIEGER ANOMALY, AND TEETHING DELAY. Identifiers: Orphanet 3163, MedGen C0878684, MONDO:0010026, OMIM 269880.
Agammaglobulinemia 7, autosomal recessive (AGM7). Also called: AGAMMAGLOBULINEMIA, AUTOSOMAL RECESSIVE, DUE TO PIK3R1 DEFECT. Identifiers: MedGen C3554689, MONDO:0014083, OMIM 615214.

Allele frequency attached by ClinVar (database versions not stated): gnomAD exomes 0.00001 and 0.00002; TOPMed 0.00003; ExAC 0.00004.
gnomAD v4.1: 8 of 1,612,880 alleles (0.0005%); highest among the groups gnomAD compares: East Asian, 0.0067%; no homozygotes.

Submission:

Labcorp Genetics (formerly Invitae), Labcorp
Classification: Uncertain significance for SHORT syndrome; Immunodeficiency 36 with lymphoproliferation; Agammaglobulinemia 7, autosomal recessive. Last evaluated: 2023-03-12. Review status: criteria provided, single submitter. Criteria: Invitae Variant Classification Sherloc (09022015). Collection method: clinical testing. Allele origin: germline.
Comment: ClinVar contains an entry for this variant (Variation ID: 1450860). In summary, the available evidence is currently insufficient to determine the role of this variant in disease. Therefore, it has been classified as a Variant of Uncertain Significance. Advanced modeling of protein sequence and biophysical properties (such as structural, functional, and spatial information, amino acid conservation, physicochemical variation, residue mobility, and thermodynamic stability) performed at Invitae indicates that this missense variant is not expected to disrupt PIK3R1 protein function. This missense change has been observed in individual(s) with clinical features of SHORT syndrome (PMID: 26497935). This variant is present in population databases (rs751595991, gnomAD 0.006%). This sequence change replaces glycine, which is neutral and non-polar, with serine, which is neutral and polar, at codon 665 of the PIK3R1 protein (p.Gly665Ser).

Literature cited by the submitters: PubMed 26497935.